The following is an entry in ClinVar:

NM_002449.5(MSX2):c.789G>T (p.Met263Ile)

Gene: MSX2 (msh homeobox 2; plus strand). Cytogenetic location: 5q35.2.
Variant type: single nucleotide variant.
Coding change: c.789G>T on transcript NM_002449.5 (MANE Select); coding-DNA position 789, G replaced by T.
Protein change: p.Met263Ile; replaces methionine 263 with isoleucine.
Molecular consequence: missense variant. On other transcripts: 3 prime UTR variant (1).
Genome position (GRCh38, 1-based): chr5:174,729,568, G>T. VCF-style: chr5-174729568-G-T. GRCh37 (hg19) VCF-style: chr5-174156571-G-T.
Other names: c.*413G>T (NM_001363626.2); short protein forms M263I.
Identifiers: ClinVar variation 2581467 (VCV002581467.1), dbSNP rs199856192, ClinGen allele CA3565270.

ClinVar aggregate classification (germline): Uncertain significance (1 of 4 stars; one submission).

Submission:

Women's Health and Genetics/Laboratory Corporation of America, LabCorp
Classification: Uncertain significance. Last evaluated: 2023-08-31. Review status: criteria provided, single submitter. Criteria: LabCorp Variant Classification Summary - May 2015. Collection method: clinical testing. Allele origin: germline.
Comment: Variant summary: MSX2 c.789G>T (p.Met263Ile) results in a conservative amino acid change in the encoded protein sequence. Three of five in-silico tools predict a damaging effect of the variant on protein function. The variant allele was found at a frequency of 8.1e-06 in 247940 control chromosomes. The available data on variant occurrences in the general population are insufficient to allow any conclusion about variant significance. To our knowledge, no occurrence of c.789G>T in individuals affected with MSX2-Related Disorders and no experimental evidence demonstrating its impact on protein function have been reported. No submitters have cited clinical-significance assessments for this variant to ClinVar after 2014. However, another variant resulting in the same amino acid change c.789G>A (p.Met263Ile) is classified as VUS in ClinVar. Based on the evidence outlined above, the variant was classified as uncertain significance.